The following is an entry in ClinVar:

NM_005744.5(ARIH1):c.237CGG[3] (p.Gly87_Gly90del)

Gene: ARIH1 (ariadne RBR E3 ubiquitin protein ligase 1; plus strand). Cytogenetic location: 15q24.1.
Variant type: Microsatellite.
Coding change: c.237CGG[3] on transcript NM_005744.5 (MANE Select); three copies in a row of the 3-base unit CGG starting at c.237; the reference has seven copies in a row; four copies, 12 bases deleted.
Protein change: p.Gly87_Gly90del.
Molecular consequence: inframe deletion.
Genome position (GRCh38, 1-based): chr15:72,474,885-72,474,896, CGGCGGCGGCGG deleted; deleting any 12 consecutive bases within chr15:72,474,874-72,474,896 gives the same sequence; the position shown is the placement nearest the transcript's 3' end. VCF-style (leftmost placement, unchanged base first): chr15-72474873-TGGCGGCGGCGGC-T. GRCh37 (hg19) VCF-style: chr15-72767214-TGGCGGCGGCGGC-T.
Identifiers: ClinVar variation 1405259 (VCV001405259.6), dbSNP rs375614248, ClinGen allele CA919588279.
Genomic context (GRCh38, chr15:72,474,873, plus strand): 5'-GGACGGACTGCTGTGCGGGGAGACGGGCGGTGGCGGCGGCAGCGCTCTGGGGCCCGGCGG[TGGCGGCGGCGGC>T]GGCGGCGGCGGTGGTGGTGGCGGGCCGGGGCATGAGCAGGAGGAGGATTACCGCTACGAG-3'

ClinVar aggregate classification (germline): Uncertain significance (1 of 4 stars; one submission).

Submission:

Labcorp Genetics (formerly Invitae), Labcorp
Classification: Uncertain significance. Last evaluated: 2023-04-05. Review status: criteria provided, single submitter. Criteria: Invitae Variant Classification Sherloc (09022015). Collection method: clinical testing. Allele origin: germline.
Comment: In summary, the available evidence is currently insufficient to determine the role of this variant in disease. Therefore, it has been classified as a Variant of Uncertain Significance. Experimental studies and prediction algorithms are not available or were not evaluated, and the functional significance of this variant is currently unknown. This variant has not been reported in the literature in individuals affected with ARIH1-related conditions. This variant is not present in population databases (gnomAD no frequency). This variant, c.246_257del, results in the deletion of 4 amino acid(s) of the ARIH1 protein (p.Gly87_Gly90del), but otherwise preserves the integrity of the reading frame.